The following is an entry in ClinVar:

ClinVar aggregate classification (germline): Uncertain significance (1 of 4 stars; one submission).

Conditions:
Ornithine aminotransferase deficiency (GACR). Also called: HYPERORNITHINEMIA WITH GYRATE ATROPHY OF CHOROID AND RETINA; OAT DEFICIENCY; OKT DEFICIENCY; Ornithine ketoacid aminotransferase deficiency; Gyrate atrophy; Gyrate atrophy of choroid and retina. Identifiers: Orphanet 414, MedGen C0018425, MONDO:0009796, OMIM 258870.

Submission:

Labcorp Genetics (formerly Invitae), Labcorp
Classification: Uncertain significance for Ornithine aminotransferase deficiency. Last evaluated: 2025-04-09. Review status: criteria provided, single submitter. Criteria: Invitae Variant Classification Sherloc (09022015). Collection method: clinical testing. Allele origin: germline.
Comment: This sequence change replaces glutamic acid, which is acidic and polar, with glycine, which is neutral and non-polar, at codon 63 of the OAT protein (p.Glu63Gly). This variant is not present in population databases (gnomAD no frequency). This variant has not been reported in the literature in individuals affected with OAT-related conditions. Invitae Evidence Modeling of protein sequence and biophysical properties (such as structural, functional, and spatial information, amino acid conservation, physicochemical variation, residue mobility, and thermodynamic stability) indicates that this missense variant is not expected to disrupt OAT protein function with a negative predictive value of 80%. In summary, the available evidence is currently insufficient to determine the role of this variant in disease. Therefore, it has been classified as a Variant of Uncertain Significance.

NM_000274.4(OAT):c.188A>G (p.Glu63Gly)

Gene: OAT (ornithine aminotransferase; minus strand). Cytogenetic location: 10q26.13.
Variant type: single nucleotide variant.
Coding change: c.188A>G on transcript NM_000274.4 (MANE Select); coding-DNA position 188, A replaced by G.
Protein change: p.Glu63Gly; replaces glutamic acid 63 with glycine.
Molecular consequence: missense variant. On other transcripts: intron variant (2).
Genome position (GRCh38, 1-based): chr10:124,411,984, T>C on the plus strand (A>G on the coding strand, the complement: OAT is on the minus strand). VCF-style: chr10-124411984-T-C. GRCh37 (hg19) VCF-style: chr10-126100553-T-C.
Other names: c.188A>G, p.Glu63Gly (NM_001322965.2, NM_001322966.2, NM_001322967.2 and 4 more transcripts); c.-215-3019A>G (NM_001171814.2); c.-515-3019A>G (NM_001322974.2); short protein forms E63G.
Identifiers: ClinVar variation 4745381 (VCV004745381.1).